The following is an entry in ClinVar:

ClinVar aggregate classification (germline): Uncertain significance (1 of 4 stars; one submission).

Conditions:
Cardiovascular phenotype. Identifiers: MedGen CN230736.

Submission:

Ambry Genetics
Classification: Uncertain significance for Cardiovascular phenotype. Last evaluated: 2026-03-29. Review status: criteria provided, single submitter. Criteria: Ambry Variant Classification Scheme 2023. Collection method: clinical testing. Allele origin: germline.
Comment: The p.D186N variant (also known as c.556G>A), located in coding exon 12 of the COL1A2 gene, results from a G to A substitution at nucleotide position 556. The aspartic acid at codon 186 is replaced by asparagine, an amino acid with highly similar properties. This amino acid position is conserved. In addition, this alteration is predicted to be tolerated by in silico analysis. Based on the available evidence, the clinical significance of this variant remains unclear.

NM_000089.4(COL1A2):c.556G>A (p.Asp186Asn)

Gene: COL1A2 (collagen type I alpha 2 chain; plus strand). Cytogenetic location: 7q21.3.
Variant type: single nucleotide variant.
Coding change: c.556G>A on transcript NM_000089.4 (MANE Select); coding-DNA position 556, G replaced by A.
Protein change: p.Asp186Asn; replaces aspartic acid 186 with asparagine.
Molecular consequence: missense variant.
Genome position (GRCh38, 1-based): chr7:94,406,265, G>A. VCF-style: chr7-94406265-G-A. GRCh37 (hg19) VCF-style: chr7-94035577-G-A.
Other names: short protein forms D186N.
Identifiers: ClinVar variation 4869128 (VCV004869128.1).